The following is an entry in ClinVar:

ClinVar aggregate classification (germline): Uncertain significance (1 of 4 stars; one submission).

Conditions:
Cystic fibrosis (CF). Also called: MUCOVISCIDOSIS. Identifiers: Orphanet 586, MedGen C0010674, MONDO:0009061, OMIM 219700. Disease mechanism: loss of function.

Submission:

Ambry Genetics
Classification: Uncertain significance for Cystic fibrosis. Last evaluated: 2025-10-22. Review status: criteria provided, single submitter. Criteria: Ambry Variant Classification Scheme 2023. Collection method: clinical testing. Allele origin: germline.
Comment: The p.W1145G variant (also known as c.3433T>G), located in coding exon 21 of the CFTR gene, results from a T to G substitution at nucleotide position 3433. The tryptophan at codon 1145 is replaced by glycine, an amino acid with highly dissimilar properties. This amino acid position is conserved. In addition, this alteration is predicted to be deleterious by in silico analysis. Based on the available evidence, the clinical significance of this variant remains unclear.

NM_000492.4(CFTR):c.3433T>G (p.Trp1145Gly)

Genes: CFTR (CF transmembrane conductance regulator; plus strand), CFTR-AS2 (CFTR antisense RNA 2; minus strand). Cytogenetic location: 7q31.2.
Variant type: single nucleotide variant.
Coding change: c.3433T>G on transcript NM_000492.4 (MANE Select); coding-DNA position 3433, T replaced by G.
Protein change: p.Trp1145Gly; replaces tryptophan 1145 with glycine.
Molecular consequence: missense variant.
Genome position (GRCh38, 1-based): chr7:117,614,678, T>G. VCF-style: chr7-117614678-T-G. GRCh37 (hg19) VCF-style: chr7-117254732-T-G.
Other names: short protein forms W1145G.
Identifiers: ClinVar variation 4648189 (VCV004648189.1).
Genomic context (GRCh38, chr7:117,614,678, plus strand): 5'-GGAGAAGGAAGAGTTGGTATTATCCTGACTTTAGCCATGAATATCATGAGTACATTGCAG[T>G]GGGCTGTAAACTCCAGCATAGATGTGGATAGCTTGGTAAGTCTTATCATCTTTTTAACTT-3'
Protein context (NP_000483.3, residues 1135-1155): LAMNIMSTLQ[Trp1145Gly]AVNSSIDVDS